The following is an entry in ClinVar:

ClinVar aggregate classification (germline): Uncertain significance (1 of 4 stars; one submission).

Submission:

Labcorp Genetics (formerly Invitae), Labcorp
Classification: Uncertain significance. Last evaluated: 2023-06-23. Review status: criteria provided, single submitter. Criteria: Invitae Variant Classification Sherloc (09022015). Collection method: clinical testing. Allele origin: germline.
Comment: In summary, the available evidence is currently insufficient to determine the role of this variant in disease. Therefore, it has been classified as a Variant of Uncertain Significance. An algorithm developed to predict the effect of missense changes on protein structure and function (PolyPhen-2) suggests that this variant is likely to be tolerated. This variant has not been reported in the literature in individuals affected with ACVR1-related conditions. This variant is not present in population databases (gnomAD no frequency). This sequence change replaces leucine, which is neutral and non-polar, with serine, which is neutral and polar, at codon 122 of the ACVR1 protein (p.Leu122Ser).

NM_001111067.4(ACVR1):c.365T>C (p.Leu122Ser)

Gene: ACVR1 (activin A receptor type 1; minus strand). Cytogenetic location: 2q24.1.
Variant type: single nucleotide variant.
Coding change: c.365T>C on transcript NM_001111067.4 (MANE Select); coding-DNA position 365, T replaced by C.
Protein change: p.Leu122Ser; replaces leucine 122 with serine.
Molecular consequence: missense variant.
Genome position (GRCh38, 1-based): chr2:157,778,309, A>G on the plus strand (T>C on the coding strand, the complement: ACVR1 is on the minus strand). VCF-style: chr2-157778309-A-G. GRCh37 (hg19) VCF-style: chr2-158634821-A-G.
Other names: c.365T>C, p.Leu122Ser (NM_001105.5, NM_001347663.1, NM_001347664.1 and 3 more transcripts); short protein forms L122S.
Identifiers: ClinVar variation 2852722 (VCV002852722.3), dbSNP rs2467962145, ClinGen allele CA349193084.